The following is an entry in ClinVar:

NM_004181.5(UCHL1):c.325+5G>A

Gene: UCHL1 (ubiquitin C-terminal hydrolase L1; plus strand). Cytogenetic location: 4p13.
Variant type: single nucleotide variant.
Coding change: c.325+5G>A on transcript NM_004181.5 (MANE Select); 5 bases into the intron after coding-DNA position 325, G replaced by A.
Molecular consequence: intron variant.
Genome position (GRCh38, 1-based): chr4:41,260,802, G>A. VCF-style: chr4-41260802-G-A. GRCh37 (hg19) VCF-style: chr4-41262819-G-A.
Identifiers: ClinVar variation 4857691 (VCV004857691.1).

ClinVar aggregate classification (germline): Likely pathogenic (1 of 4 stars; one submission).

Conditions:
Spastic paraplegia 79A, autosomal dominant, with ataxia (SPG79A). Also called: Spastic paraplegia 79A, autosomal dominant. Identifiers: MedGen C5774300, MONDO:0859363, OMIM 620221.

gnomAD v4.1: 1 of 1,614,128 alleles (0.000062%); highest among the groups gnomAD compares: Non-Finnish European, 0.000085%; no homozygotes.

Submission:

Department of Clinical Genetics, Copenhagen University Hospital, Rigshospitalet
Classification: Likely pathogenic for Spastic paraplegia 79A, autosomal dominant, with ataxia. Last evaluated: 2026-06-25. Review status: criteria provided, single submitter. Criteria: ACMG Guidelines, 2015. Collection method: clinical testing. Allele origin: germline. Affected: yes. Observed: 2 variant alleles.
Comment: The following ACMG criteria has been used: PVS1_(RNA), PM2_SUP (Reported once in gnomAD v.4.1)